The following is an entry in ClinVar:

ClinVar aggregate classification (germline): Uncertain significance (1 of 4 stars; one submission).

Conditions:
Hereditary pancreatitis (PCTT). Also called: PRSS1-Related Hereditary Pancreatitis; Hereditary chronic pancreatitis. Identifiers: Orphanet 676, MedGen C0238339, MONDO:0008185, OMIM 167800.

Submission:

ARUP Laboratories, Molecular Genetics and Genomics, ARUP Laboratories
Classification: Uncertain significance for Hereditary pancreatitis. Last evaluated: 2024-10-01. Review status: criteria provided, single submitter. Criteria: ARUP Molecular Germline Variant Investigation Process 2024. Collection method: clinical testing. Allele origin: germline.
Comment: The PRSS1 c.41-3C>T variant, to our knowledge, is not reported in the medical literature or gene specific databases. This variant is also absent from the Genome Aggregation Database (v2.1.1), indicating it is not a common polymorphism. This is an intronic variant and computational analyses (Alamut Visual Plus v.1.5.1) predict that this variant does not alter splicing. However, since this variant is located within the minimal splice region, the clinical significance of this variant is uncertain at this time.

NM_002769.5(PRSS1):c.41-3C>T

Genes: TRB (T cell receptor beta locus; plus strand), PRSS1 (serine protease 1; plus strand). Cytogenetic location: 7q34.
Variant type: single nucleotide variant.
Coding change: c.41-3C>T on transcript NM_002769.5 (MANE Select); 3 bases into the intron before coding-DNA position 41, C replaced by T.
Molecular consequence: intron variant.
Genome position (GRCh38, 1-based): chr7:142,750,552, C>T. VCF-style: chr7-142750552-C-T. GRCh37 (hg19) VCF-style: chr7-142458403-C-T.
Identifiers: ClinVar variation 3766862 (VCV003766862.1).
Genomic context (GRCh38, chr7:142,750,552, plus strand): 5'-GGCTGGGAGCGCCACCCCTAACATGCTATTGACTTGCCTTCTCCCTTCCCATCTCCACTC[C>T]AGTTGCTGCCCCCTTTGATGATGATGACAAGATCGTTGGGGGCTACAACTGTGAGGAGAA-3'